The following is an entry in ClinVar:

NM_016373.4(WWOX):c.1122G>T (p.Met374Ile)

Genes: MAF (MAF bZIP transcription factor; minus strand), WWOX (WW domain containing oxidoreductase; plus strand). Cytogenetic location: 16q23.2.
Variant type: single nucleotide variant.
Coding change: c.1122G>T on transcript NM_016373.4 (MANE Select); coding-DNA position 1122, G replaced by T.
Protein change: p.Met374Ile; replaces methionine 374 with isoleucine.
Molecular consequence: missense variant.
Genome position (GRCh38, 1-based): chr16:79,211,673, G>T. VCF-style: chr16-79211673-G-T. GRCh37 (hg19) VCF-style: chr16-79245570-G-T.
Other names: c.783G>T, p.Met261Ile (NM_001291997.2); short protein forms M261I, M374I.
Identifiers: ClinVar variation 2646887 (VCV002646887.24), dbSNP rs775460117, ClinGen allele CA8183747.

ClinVar aggregate classification (germline): Uncertain significance (1 of 4 stars; one submission).

gnomAD v4.1: 10 of 1,614,238 alleles (0.00062%); highest among the groups gnomAD compares: Non-Finnish European, 0.00085%; no homozygotes.

Submission:

CeGaT Center for Human Genetics Tuebingen
Classification: Uncertain significance. Last evaluated: 2022-07-01. Review status: criteria provided, single submitter. Criteria: CeGaT Center For Human Genetics Tuebingen Variant Classification Criteria Version 2. Collection method: clinical testing. Allele origin: germline. Affected: yes. Observed: 1 variant allele.
Comment: WWOX: PM2